The following is an entry in ClinVar:

ClinVar aggregate classification (germline): Benign (1 of 4 stars; one submission).

Allele frequency attached by ClinVar (database versions not stated): TOPMed 0.01164; 1000 Genomes Project 0.00679; 1000 Genomes Project 30x 0.00781; ExAC 0.00820; gnomAD 0.01069; ESP Exome Variant Server 0.01147.
gnomAD v4.1: 14,877 of 1,574,756 alleles (0.94%); highest among the groups gnomAD compares: Middle Eastern, 3.4%; 102 homozygotes.

Submission:

CeGaT Center for Human Genetics Tuebingen
Classification: Benign. Last evaluated: 2026-09-01. Review status: criteria provided, single submitter. Criteria: CeGaT Center For Human Genetics Tuebingen Variant Classification Criteria Version 2. Collection method: clinical testing. Allele origin: germline. Affected: yes. Observed: 13 variant alleles.
Comment: KPNA3: PP2, BS1, BS2

NM_002267.4(KPNA3):c.362A>G (p.Lys121Arg)

Gene: KPNA3 (karyopherin subunit alpha 3; minus strand). Cytogenetic location: 13q14.2.
Variant type: single nucleotide variant.
Coding change: c.362A>G on transcript NM_002267.4 (MANE Select); coding-DNA position 362, A replaced by G.
Protein change: p.Lys121Arg; replaces lysine 121 with arginine.
Molecular consequence: missense variant.
Genome position (GRCh38, 1-based): chr13:49,732,392, T>C on the plus strand (A>G on the coding strand, the complement: KPNA3 is on the minus strand). VCF-style: chr13-49732392-T-C. GRCh37 (hg19) VCF-style: chr13-50306528-T-C.
Other names: short protein forms K121R.
Identifiers: ClinVar variation 2643818 (VCV002643818.24), dbSNP rs34024081, ClinGen allele CA6983763.
Genomic context (GRCh38, chr13:49,732,392, plus strand): 5'-ACTGAAAAAAACTGAATAGGGAGTAAAATCCATACTTACTTATCATCCCTTTCTAGACAT[T>C]TGACTAGAATTGGTAAAATCCCAGATTTTATTAAGTCATCAATCGGTGGATTTCTGTCAC-3'
Protein context (NP_002258.2, residues 111-131): IKSGILPILV[Lys121Arg]CLERDDNPSL